The following is an entry in ClinVar:

ClinVar aggregate classification (germline): Uncertain significance (1 of 4 stars; one submission).

Allele frequency attached by ClinVar (database versions not stated): gnomAD exomes 0.00001; ExAC 0.00002; TOPMed 0.00002.
gnomAD v4.1: 21 of 1,614,006 alleles (0.0013%); highest among the groups gnomAD compares: East Asian, 0.0067%; no homozygotes.

Submission:

Labcorp Genetics (formerly Invitae), Labcorp
Classification: Uncertain significance. Last evaluated: 2022-06-04. Review status: criteria provided, single submitter. Criteria: Invitae Variant Classification Sherloc (09022015). Collection method: clinical testing. Allele origin: germline.
Comment: This sequence change replaces arginine, which is basic and polar, with cysteine, which is neutral and slightly polar, at codon 750 of the CEP250 protein (p.Arg750Cys). This variant is present in population databases (no rsID available, gnomAD 0.007%). This variant has not been reported in the literature in individuals affected with CEP250-related conditions. ClinVar contains an entry for this variant (Variation ID: 969659). Algorithms developed to predict the effect of missense changes on protein structure and function are either unavailable or do not agree on the potential impact of this missense change (SIFT: "Not Available"; PolyPhen-2: "Probably Damaging"; Align-GVGD: "Not Available"). In summary, the available evidence is currently insufficient to determine the role of this variant in disease. Therefore, it has been classified as a Variant of Uncertain Significance.

NM_007186.6(CEP250):c.2248C>T (p.Arg750Cys)

Genes: CEP250 (centrosomal protein 250; plus strand), CEP250-AS1 (CEP250 antisense RNA 1; minus strand). Cytogenetic location: 20q11.22.
Variant type: single nucleotide variant.
Coding change: c.2248C>T on transcript NM_007186.6 (MANE Select); coding-DNA position 2248, C replaced by T.
Protein change: p.Arg750Cys; replaces arginine 750 with cysteine.
Molecular consequence: missense variant.
Genome position (GRCh38, 1-based): chr20:35,479,384, C>T. VCF-style: chr20-35479384-C-T. GRCh37 (hg19) VCF-style: chr20-34067209-C-T.
Other names: c.352C>T, p.Arg118Cys (NM_001318219.1); short protein forms R750C, R118C.
Identifiers: ClinVar variation 969659 (VCV000969659.7), dbSNP rs1023005712, ClinGen allele CA9833132.